The following is an entry in ClinVar:

ClinVar aggregate classification (germline): Conflicting classifications of pathogenicity. Review status: criteria provided, conflicting classifications (1 of 4 stars). 6 submissions from 5 submitters: Uncertain significance (4); Benign (1); Likely benign (1). Last evaluated 2025-11-30.

Conditions:
Adams-Oliver syndrome 5 (AOS5). Identifiers: Orphanet 974, MedGen C4014970, MONDO:0014459, OMIM 616028.
Familial thoracic aortic aneurysm and aortic dissection (TAAD). Also called: Thoracic aortic aneurysms and dissections. Identifiers: Orphanet 91387, MedGen C4707243, MONDO:0019625.
Aortic valve disease 1 (AOVD1). Identifiers: MedGen C3887892, MONDO:0024523, OMIM 109730.

Allele frequency attached by ClinVar (database versions not stated): ExAC 0.00004; TOPMed 0.00006; gnomAD 0.00007; ESP Exome Variant Server 0.00008; 1000 Genomes Project 0.00020; 1000 Genomes Project 30x 0.00031.
gnomAD v4.1: 83 of 1,612,748 alleles (0.0051%); highest among the groups gnomAD compares: African/African-American, 0.02%; no homozygotes.

Submissions (6):

Labcorp Genetics (formerly Invitae), Labcorp
Classification: Benign for Adams-Oliver syndrome 5. Last evaluated: 2025-11-30. Review status: criteria provided, single submitter. Criteria: Invitae Variant Classification Sherloc (09022015). Collection method: clinical testing. Allele origin: germline.

GeneDx
Classification: Uncertain significance. Last evaluated: 2024-12-11. Review status: criteria provided, single submitter. Criteria: GeneDx Variant Classification Process June 2021. Collection method: clinical testing. Allele origin: germline. Affected: yes.
Comment: In silico analysis indicates that this missense variant does not alter protein structure/function; Has not been previously published as pathogenic or benign to our knowledge

Genome-Nilou Lab
Classification: Uncertain significance for Adams-Oliver syndrome 5. Last evaluated: 2022-03-15. Review status: criteria provided, single submitter. Criteria: ACMG Guidelines, 2015. Collection method: clinical testing. Allele origin: germline. Affected: no.

Genome-Nilou Lab
Classification: Uncertain significance for Aortic valve disease 1. Last evaluated: 2022-03-15. Review status: criteria provided, single submitter. Criteria: ACMG Guidelines, 2015. Collection method: clinical testing. Allele origin: germline. Affected: no.

CHEO Genetics Diagnostic Laboratory, Children's Hospital of Eastern Ontario
Classification: Uncertain significance for Familial thoracic aortic aneurysm and aortic dissection. Last evaluated: 2021-11-24. Review status: criteria provided, single submitter. Criteria: ACMG Guidelines, 2015. Collection method: clinical testing. Allele origin: germline.

Ambry Genetics
Classification: Likely benign for Familial thoracic aortic aneurysm and aortic dissection. Last evaluated: 2021-11-19. Review status: criteria provided, single submitter. Criteria: Ambry Variant Classification Scheme 2023. Collection method: clinical testing. Allele origin: germline.

NM_017617.5(NOTCH1):c.6583G>A (p.Gly2195Ser)

Gene: NOTCH1 (notch receptor 1; minus strand). Cytogenetic location: 9q34.3.
Variant type: single nucleotide variant.
Coding change: c.6583G>A on transcript NM_017617.5 (MANE Select); coding-DNA position 6583, G replaced by A.
Protein change: p.Gly2195Ser; replaces glycine 2195 with serine.
Molecular consequence: missense variant.
Genome position (GRCh38, 1-based): chr9:136,497,156, C>T on the plus strand (G>A on the coding strand, the complement: NOTCH1 is on the minus strand). VCF-style: chr9-136497156-C-T. GRCh37 (hg19) VCF-style: chr9-139391608-C-T.
Other names: c.6583G>A, p.Gly2195Ser (LRG_1122t1); short protein forms G2195S.
Identifiers: ClinVar variation 392075 (VCV000392075.19), dbSNP rs376422513, ClinGen allele CA5339868.